The following is an entry in ClinVar:

NM_177438.3(DICER1):c.202_205delinsAA (p.Ser68fs)

Gene: DICER1 (dicer 1, ribonuclease III; minus strand). Cytogenetic location: 14q32.13.
Variant type: Indel.
Coding change: c.202_205delinsAA on transcript NM_177438.3 (MANE Select); coding-DNA positions 202 to 205, TCAG replaced by AA.
Protein change: p.Ser68fs; shifts the reading frame from serine 68.
Molecular consequence: frameshift variant. On other transcripts: 5 prime UTR variant (9), non-coding transcript variant (6).
Genome position (GRCh38, 1-based): chr14:95,132,617-95,132,620, CTGA replaced by TT on the plus strand (TCAG replaced by AA on the coding strand, the reverse complement: DICER1 is on the minus strand). VCF-style: chr14-95132617-CTGA-TT. GRCh37 (hg19) VCF-style: chr14-95598954-CTGA-TT.
Other names: p.(Ser68Lysfs*11); c.202_205delinsAA, p.Ser68fs (NM_001195573.1, NM_001271282.3, NM_001291628.2 and 14 more transcripts); c.-73_-70delinsAA (NM_001395686.1, NM_001395687.1, NM_001395688.1 and 4 more transcripts); c.-257_-254delinsAA (NM_001395691.1); c.-1367_-1364delinsAA (NM_001395697.1); short protein forms S68fs.
Identifiers: ClinVar variation 4686633 (VCV004686633.1).
Genomic context (GRCh38, chr14:95,132,617, plus strand): 5'-AGTCTCCCCTGATCTGATAGGACAGCTCTTTAGTGAGTAGTACTGCAATAAATGTCTTCC[CTGA>TT]GCCAGTGTTTAAACAGACGATGGTATTATGATCCAGAGCTGCTTCAAGCAGTTCAACCTA-3'

ClinVar aggregate classification (germline): Likely pathogenic (1 of 4 stars; one submission).

Conditions:
DICER1-related tumor predisposition. Also called: DICER1-related pleuropulmonary blastoma cancer predisposition syndrome; DICER1 syndrome. Identifiers: Orphanet 284343, MedGen C3839822, MONDO:0100216.

Submission:

Unidad de Genómica Garrahan, Hospital de Pediatría Garrahan
Classification: Likely pathogenic for DICER1-related tumor predisposition. Last evaluated: 2025-12-01. Review status: criteria provided, single submitter. Criteria: Hatton et al. (Hum Mutat. 2023). Collection method: clinical testing. Allele origin: germline. Affected: yes.
Comment: Frameshift variant predicted to result in protein truncation in a gene for which loss-of-function is a known mechanism of disease (PVS1_very strong). Based on the available evidence and following the ClinGen DICER1 and miRNA-Processing Gene Expert Panel Specifications to the ACMG/AMP Variant Interpretation Guidelines for DICER1 (PMID: 38084291) this alteration is classified as likely pathogenic.